The following is an entry in ClinVar:

ClinVar aggregate classification (germline): Uncertain significance. Review status: criteria provided, multiple submitters, no conflicts (2 of 4 stars). 3 submissions from 3 submitters: Uncertain significance (2). 1 of the submissions does not count toward it. Last evaluated 2025-05-15.

Conditions:
Neuropathy, hereditary sensory and autonomic, type 2A (HSAN2A). Also called: HSAN IIA; ACROOSTEOLYSIS, GIACCAI TYPE; ACROOSTEOLYSIS, NEUROGENIC; WNK1-Related HSAN2 (HSAN2A); MORVAN DISEASE; NEUROPATHY, CONGENITAL SENSORY. Identifiers: Orphanet 970, MedGen C2752089, MONDO:0024309, OMIM 201300.
Pseudohypoaldosteronism type 2C (PHA2C). Also called: Pseudohypoaldosteronism Type IIC. Identifiers: Orphanet 757, Orphanet 88940, MedGen C1840391, MONDO:0013778, OMIM 614492.

Allele frequency attached by ClinVar (database versions not stated): gnomAD exomes below 0.00001; gnomAD 0.00001; TOPMed 0.00001.

Submissions (3):

Labcorp Genetics (formerly Invitae), Labcorp
Classification: Uncertain significance for Neuropathy, hereditary sensory and autonomic, type 2A; Pseudohypoaldosteronism type 2C. Last evaluated: 2025-05-15. Review status: criteria provided, single submitter. Criteria: Invitae Variant Classification Sherloc (09022015). Collection method: clinical testing. Allele origin: germline.
Comment: This sequence change is expected to alter the c-terminus of the WNK1 protein (p.Ser2617Alafs*25). While this is not anticipated to result in nonsense mediated decay, it is expected to disrupt the last 18 amino acid(s) of the WNK1 protein and extend the protein by 6 additional amino acid residues. This variant is not present in population databases (gnomAD no frequency). This variant has not been reported in the literature in individuals affected with WNK1-related conditions. ClinVar contains an entry for this variant (Variation ID: 592039). Experimental studies and prediction algorithms are not available or were not evaluated, and the functional significance of this variant is currently unknown. In summary, the available evidence is currently insufficient to determine the role of this variant in disease. Therefore, it has been classified as a Variant of Uncertain Significance.

Fulgent Genetics
Classification: Uncertain significance for Neuropathy, hereditary sensory and autonomic, type 2A; Pseudohypoaldosteronism type 2C. Last evaluated: 2022-04-22. Review status: criteria provided, single submitter. Criteria: ACMG Guidelines, 2015. Collection method: clinical testing. Allele origin: unknown.

Gharavi Laboratory, Columbia University
Classification: Uncertain significance. Last evaluated: 2018-09-16. Review status: no assertion criteria provided. Criteria: ACMG Guidelines, 2015. Collection method: research. Allele origin: germline. Affected: yes. Not counted in ClinVar's aggregate classification.

NM_018979.4(WNK1):c.7092del (p.Ser2365fs)

Gene: WNK1 (WNK lysine deficient protein kinase 1; plus strand). Cytogenetic location: 12p13.33.
Variant type: Deletion.
Coding change: c.7092del on transcript NM_018979.4 (MANE Select); coding-DNA position 7092, one base deleted (C; older notation c.7092delC).
Protein change: p.Ser2365fs; shifts the reading frame from serine 2365.
Molecular consequence: frameshift variant.
Genome position (GRCh38, 1-based): chr12:908,735, C deleted. VCF-style (leftmost placement, unchanged base first): chr12-908734-TC-T. GRCh37 (hg19) VCF-style: chr12-1017900-TC-T.
Other names: c.7872del, p.Ser2625fs (NM_001184985.2); c.6348del, p.Ser2117fs (NM_014823.3); c.7848del, p.Ser2617fs (NM_213655.5); short protein forms S2365fs, S2617fs, S2625fs, S2117fs.
Identifiers: ClinVar variation 592039 (VCV000592039.3), dbSNP rs1565626117, ClinGen allele CA891862934.